The following is an entry in ClinVar:

NM_000310.4(PPT1):c.871C>T (p.Gln291Ter)

Gene: PPT1 (palmitoyl-protein thioesterase 1; minus strand). Cytogenetic location: 1p34.2.
Variant type: single nucleotide variant.
Coding change: c.871C>T on transcript NM_000310.4 (MANE Select); coding-DNA position 871, C replaced by T.
Protein change: p.Gln291Ter; replaces glutamine 291 with a stop codon.
Molecular consequence: nonsense.
Genome position (GRCh38, 1-based): chr1:40,074,111, G>A on the plus strand (C>T on the coding strand, the complement: PPT1 is on the minus strand). VCF-style: chr1-40074111-G-A. GRCh37 (hg19) VCF-style: chr1-40539783-G-A.
Other names: c.562C>T, p.Gln188Ter (NM_001142604.2); c.799C>T, p.Gln267Ter (NM_001363695.2); short protein forms Q188*, Q291*, Q267*.
Identifiers: ClinVar variation 56217 (VCV000056217.4), dbSNP rs386833668, ClinGen allele CA263551.

ClinVar aggregate classification (germline): Pathogenic/Likely pathogenic. Review status: criteria provided, multiple submitters, no conflicts (2 of 4 stars). 3 submissions from 3 submitters: Pathogenic (1); Likely pathogenic (1). 1 of the submissions does not count toward it. Last evaluated 2025-05-05.

Conditions:
Neuronal ceroid lipofuscinosis 1 (CLN1). Also called: CEROID LIPOFUSCINOSIS, NEURONAL, 1, VARIABLE AGE AT ONSET; PPT1-Related Neuronal Ceroid-Lipofuscinosis. Identifiers: Orphanet 228329, MedGen C1850451, MONDO:0009744, OMIM 256730.

Submissions (3):

Natera, Inc.
Classification: Likely pathogenic for Neuronal ceroid lipofuscinosis 1. Last evaluated: 2025-05-05. Review status: criteria provided, single submitter. Criteria: Natera Variant Classification Schema (03/2026). Collection method: clinical testing. Allele origin: germline.
Comment: The c.871C>T variant in PPT1 is a nonsense variant predicted to introduce a stop codon at amino acid 291. This variant may result in a truncated or dysfunctional protein product. This variant is rare in the general population with a frequency below the threshold expected for the associated phenotype(s). This variant has been observed in one or more individuals affected with the associated recessive disease, as either homozygous or compound heterozygous with a second variant (PMID: 10649502). This variant has been identified in one or more affected individuals with a phenotype highly consistent with the associated gene (PMID: 10649502). Given the available evidence, this variant is classified as Likely Pathogenic.

Women's Health and Genetics/Laboratory Corporation of America, LabCorp
Classification: Pathogenic for Neuronal ceroid lipofuscinosis 1. Last evaluated: 2019-05-02. Review status: criteria provided, single submitter. Criteria: LabCorp Variant Classification Summary - May 2015. Collection method: clinical testing. Allele origin: germline.
Comment: Variant summary: PPT1 c.871C>T (p.Gln291X) results in a premature termination codon, predicted to cause a truncation of the encoded protein or absence of the protein due to nonsense mediated decay, which are commonly known mechanisms for disease. A truncation downstream of this position (p.W296X) has been reported in a patient (PMID: 9664077). The variant was absent in 251410 control chromosomes (gnomAD). c.871C>T has been reported in the literature in a compound heterozygote individual affected with Neuronal Ceroid-Lipofuscinosis (Batten Disease), who had another truncating variant in trans (Waliany 2000). This patient had undetectable enzyme activity, and disease specific electronmicroscopic findings (Waliany 2000). No clinical diagnostic laboratories have submitted clinical-significance assessments for this variant to ClinVar after 2014. Based on the evidence outlined above, the variant was classified as pathogenic.

Juha Muilu Group; Institute for Molecular Medicine Finland (FIMM)
Classification: Likely pathogenic for Ceroid lipofuscinosis neuronal 1. Review status: no assertion criteria provided. Collection method: not provided. Allele origin: unknown. Not counted in ClinVar's aggregate classification.
Comment: FinDis database variant: This variant was not found or characterized by our laboratory, data were collected from public sources: see reference
ClinVar note: Converted during submission from probable-pathogenic to Likely pathogenic.

Literature cited by the submitters: PubMed 10649502 (cited by Natera, Inc. and Women's Health and Genetics/Laboratory Corporation of America, LabCorp).